The following is an entry in ClinVar:

ClinVar aggregate classification (germline): Pathogenic (1 of 4 stars; one submission).

Conditions:
Deficiency of adenosine deaminase 2. Also called: Polyarteritis nodosa, childhoood-onset; Adenosine Deaminase 2 Deficiency; VASCULITIS, AUTOINFLAMMATION, IMMUNODEFICIENCY, AND HEMATOLOGIC DEFECTS SYNDROME. Identifiers: Orphanet 404553, MedGen C3887654, MONDO:0014306, OMIM 615688, MONDO:0100317.

Submission:

Labcorp Genetics (formerly Invitae), Labcorp
Classification: Pathogenic for Deficiency of adenosine deaminase 2. Last evaluated: 2023-05-05. Review status: criteria provided, single submitter. Criteria: Invitae Variant Classification Sherloc (09022015). Collection method: clinical testing. Allele origin: germline.
Comment: For these reasons, this variant has been classified as Pathogenic. This variant disrupts the p.Gly383 amino acid residue in ADA2. Other variant(s) that disrupt this residue have been determined to be pathogenic (PMID: 25075847). This suggests that this residue is clinically significant, and that variants that disrupt this residue are likely to be disease-causing. Experimental studies have shown that this missense change affects ADA2 function (PMID: 34004258). Advanced modeling of protein sequence and biophysical properties (such as structural, functional, and spatial information, amino acid conservation, physicochemical variation, residue mobility, and thermodynamic stability) performed at Invitae indicates that this missense variant is expected to disrupt ADA2 protein function. This missense change has been observed in individual(s) with adenosine deaminase 2 deficiency (PMID: 32659374, 34004258). This variant is not present in population databases (gnomAD no frequency). This sequence change replaces glycine, which is neutral and non-polar, with aspartic acid, which is acidic and polar, at codon 383 of the ADA2 protein (p.Gly383Asp).

Literature cited by the submitters: PubMed 25075847; PubMed 34004258; PubMed 32659374.

NM_001282225.2(ADA2):c.1148G>A (p.Gly383Asp)

Gene: ADA2 (adenosine deaminase 2; minus strand). Cytogenetic location: 22q11.1.
Variant type: single nucleotide variant.
Coding change: c.1148G>A on transcript NM_001282225.2 (MANE Select); coding-DNA position 1148, G replaced by A.
Protein change: p.Gly383Asp; replaces glycine 383 with aspartic acid.
Molecular consequence: missense variant.
Genome position (GRCh38, 1-based): chr22:17,182,695, C>T on the plus strand (G>A on the coding strand, the complement: ADA2 is on the minus strand). VCF-style: chr22-17182695-C-T. GRCh37 (hg19) VCF-style: chr22-17663585-C-T.
Other names: c.1148G>A, p.Gly383Asp (NM_001282226.2); c.1022G>A, p.Gly341Asp (NM_001282227.2, NM_001282228.2); c.788G>A, p.Gly263Asp (NM_001282229.2); c.425G>A, p.Gly142Asp (NM_177405.3); short protein forms G341D, G383D, G142D, G263D.
Identifiers: ClinVar variation 2982423 (VCV002982423.3), dbSNP rs1212466958, ClinGen allele CA410232331.